The following is an entry in ClinVar:

ClinVar aggregate classification (germline): Likely pathogenic (1 of 4 stars; one submission).

Conditions:
RASopathy. Also called: rasopathies; Noonan spectrum disorder. Identifiers: Orphanet 536391, MedGen C5555857, MONDO:0021060.

Submission:

Labcorp Genetics (formerly Invitae), Labcorp
Classification: Likely pathogenic for RASopathy. Last evaluated: 2022-06-13. Review status: criteria provided, single submitter. Criteria: Invitae Variant Classification Sherloc (09022015). Collection method: clinical testing. Allele origin: germline.
Comment: Experimental studies and prediction algorithms are not available or were not evaluated, and the functional significance of this variant is currently unknown. In summary, the currently available evidence indicates that the variant is pathogenic, but additional data are needed to prove that conclusively. Therefore, this variant has been classified as Likely Pathogenic. This variant has been observed in individual(s) with clinical features of Noonan syndrome (Invitae). In at least one individual the variant was observed to be de novo. This variant is not present in population databases (gnomAD no frequency). This variant, c.171_173del, is a complex sequence change that results in the deletion of 2 and insertion of 1 amino acid(s) in the PTPN11 protein (p.Gln57_Asn58delinsHis).

NM_002834.5(PTPN11):c.171_173del (p.Gln57_Asn58delinsHis)

Gene: PTPN11 (protein tyrosine phosphatase non-receptor type 11; plus strand). Cytogenetic location: 12q24.13.
Variant type: Deletion.
Coding change: c.171_173del on transcript NM_002834.5 (MANE Select); coding-DNA positions 171 to 173, 3 bases deleted (GAA; older notation c.171_173delGAA).
Protein change: p.Gln57_Asn58delinsHis.
Molecular consequence: inframe indel.
Genome position (GRCh38, 1-based): chr12:112,450,351-112,450,353, GAA deleted; deleting any 3 consecutive bases within chr12:112,450,350-112,450,353 gives the same sequence; the c. name uses the placement nearest the transcript's 3' end. VCF-style (leftmost placement, unchanged base first): chr12-112450349-CAGA-C. GRCh37 (hg19) VCF-style: chr12-112888153-CAGA-C.
Other names: c.171_173del, p.Gln57_Asn58delinsHis (NM_001330437.2, NM_080601.3); c.168_170del, p.Gln56_Asn57delinsHis (NM_001374625.1).
Identifiers: ClinVar variation 2133836 (VCV002133836.4), dbSNP rs2540415610, ClinGen allele CA2580085817.